The following is an entry in ClinVar:

NM_018847.4(KLHL9):c.152A>G (p.Asp51Gly)

Gene: KLHL9 (kelch like family member 9; minus strand). Cytogenetic location: 9p21.3.
Variant type: single nucleotide variant.
Coding change: c.152A>G on transcript NM_018847.4 (MANE Select); coding-DNA position 152, A replaced by G.
Protein change: p.Asp51Gly; replaces aspartic acid 51 with glycine.
Molecular consequence: missense variant.
Genome position (GRCh38, 1-based): chr9:21,334,708, T>C on the plus strand (A>G on the coding strand, the complement: KLHL9 is on the minus strand). VCF-style: chr9-21334708-T-C. GRCh37 (hg19) VCF-style: chr9-21334707-T-C.
Other names: short protein forms D51G.
Identifiers: ClinVar variation 2016014 (VCV002016014.4), dbSNP rs2537382564, ClinGen allele CA373075775.

ClinVar aggregate classification (germline): Uncertain significance (1 of 4 stars; one submission).

gnomAD v4.1: 1 of 1,613,836 alleles (0.000062%); highest among the groups gnomAD compares: Non-Finnish European, 0.000085%; no homozygotes.

Submission:

Labcorp Genetics (formerly Invitae), Labcorp
Classification: Uncertain significance. Last evaluated: 2022-07-11. Review status: criteria provided, single submitter. Criteria: Invitae Variant Classification Sherloc (09022015). Collection method: clinical testing. Allele origin: germline.
Comment: This variant has not been reported in the literature in individuals affected with KLHL9-related conditions. In summary, the available evidence is currently insufficient to determine the role of this variant in disease. Therefore, it has been classified as a Variant of Uncertain Significance. Algorithms developed to predict the effect of missense changes on protein structure and function are either unavailable or do not agree on the potential impact of this missense change (SIFT: "Not Available"; PolyPhen-2: "Probably Damaging"; Align-GVGD: "Not Available"). This variant is not present in population databases (gnomAD no frequency). This sequence change replaces aspartic acid, which is acidic and polar, with glycine, which is neutral and non-polar, at codon 51 of the KLHL9 protein (p.Asp51Gly).